The following is an entry in ClinVar:

ClinVar aggregate classification (germline): Uncertain significance (1 of 4 stars; one submission).

Conditions:
ALG9 congenital disorder of glycosylation (CDG1L). Also called: CDG Il; ALG9-CDG; CONGENITAL DISORDER OF GLYCOSYLATION, TYPE Il. Identifiers: Orphanet 79328, MedGen C2931006, MONDO:0012117, OMIM 608776.

Allele frequency attached by ClinVar (database versions not stated): gnomAD exomes below 0.00001; TOPMed below 0.00001; gnomAD 0.00001.
gnomAD v4.1: 4 of 1,613,976 alleles (0.00025%); highest among the groups gnomAD compares: African/African-American, 0.0013%; no homozygotes.

Submission:

Labcorp Genetics (formerly Invitae), Labcorp
Classification: Uncertain significance for ALG9 congenital disorder of glycosylation. Last evaluated: 2022-07-26. Review status: criteria provided, single submitter. Criteria: Invitae Variant Classification Sherloc (09022015). Collection method: clinical testing. Allele origin: germline.
Comment: This sequence change replaces tyrosine, which is neutral and polar, with cysteine, which is neutral and slightly polar, at codon 785 of the ATP6V0A2 protein (p.Tyr785Cys). This variant is not present in population databases (gnomAD no frequency). This variant has not been reported in the literature in individuals affected with ATP6V0A2-related conditions. ClinVar contains an entry for this variant (Variation ID: 1406311). Algorithms developed to predict the effect of missense changes on protein structure and function are either unavailable or do not agree on the potential impact of this missense change (SIFT: "Tolerated"; PolyPhen-2: "Possibly Damaging"; Align-GVGD: "Class C15"). In summary, the available evidence is currently insufficient to determine the role of this variant in disease. Therefore, it has been classified as a Variant of Uncertain Significance.

NM_012463.4(ATP6V0A2):c.2354A>G (p.Tyr785Cys)

Gene: ATP6V0A2 (ATPase H+ transporting V0 subunit a2; plus strand). Cytogenetic location: 12q24.31.
Variant type: single nucleotide variant.
Coding change: c.2354A>G on transcript NM_012463.4 (MANE Select); coding-DNA position 2354, A replaced by G.
Protein change: p.Tyr785Cys; replaces tyrosine 785 with cysteine.
Molecular consequence: missense variant.
Genome position (GRCh38, 1-based): chr12:123,756,875, A>G. VCF-style: chr12-123756875-A-G. GRCh37 (hg19) VCF-style: chr12-124241422-A-G.
Other names: short protein forms Y785C.
Identifiers: ClinVar variation 1406311 (VCV001406311.7), dbSNP rs1300082047, ClinGen allele CA387158085.